The following is an entry in ClinVar:

ClinVar aggregate classification (germline): Benign (1 of 4 stars; one submission).

Conditions:
Ceroid lipofuscinosis, neuronal, 4 (Kufs type) (CLN4). Also called: Neuronal ceroid lipofuscinosis 4B; Ceroid lipofuscinosis, neuronal, 4, Parry type. Identifiers: Orphanet 228343, Orphanet 79262, MedGen C1834207, MONDO:0008083, OMIM 162350.

Allele frequency attached by ClinVar (database versions not stated): 1000 Genomes Project 0.00120; 1000 Genomes Project 30x 0.00141; gnomAD 0.00325 and 0.00334; TOPMed 0.00339; gnomAD exomes 0.01250.
gnomAD v4.1: 498 of 152,512 alleles (0.33%); highest among the groups gnomAD compares: Non-Finnish European, 0.54%; 1 homozygote.

Submission:

Illumina Laboratory Services, Illumina
Classification: Benign for Ceroid lipofuscinosis, neuronal, 4 (Kufs type). Last evaluated: 2018-01-13. Review status: criteria provided, single submitter. Criteria: ICSL Variant Classification Criteria 13 December 2019. Collection method: clinical testing. Allele origin: germline.
Comment: This variant was observed in the ICSL laboratory as part of a predisposition screen in an ostensibly healthy population. It had not been previously curated by ICSL or reported in the Human Gene Mutation Database (HGMD: prior to June 1st, 2018), and was therefore a candidate for classification through an automated scoring system. Utilizing variant allele frequency, disease prevalence and penetrance estimates, and inheritance mode, an automated score was calculated to assess if this variant is too frequent to cause the disease. Based on the score and internal cut-off values, a variant classified as benign is not then subjected to further curation. The score for this variant resulted in a classification of benign for this disease.

NM_025219.3(DNAJC5):c.*1342G>A

Gene: DNAJC5 (DnaJ heat shock protein family (Hsp40) member C5; plus strand). Cytogenetic location: 20q13.33.
Variant type: single nucleotide variant.
Coding change: c.*1342G>A on transcript NM_025219.3 (MANE Select); 1342 bases downstream of the stop codon, G replaced by A.
Molecular consequence: 3 prime UTR variant.
Genome position (GRCh38, 1-based): chr20:63,932,910, G>A. VCF-style: chr20-63932910-G-A. GRCh37 (hg19) VCF-style: chr20-62564263-G-A.
Identifiers: ClinVar variation 339388 (VCV000339388.6), dbSNP rs41278218, ClinGen allele CA10650210.